The following is an entry in ClinVar:

NM_004523.4(KIF11):c.2304C>A (p.His768Gln)

Gene: KIF11 (kinesin family member 11; plus strand). Cytogenetic location: 10q23.33.
Variant type: single nucleotide variant.
Coding change: c.2304C>A on transcript NM_004523.4 (MANE Select); coding-DNA position 2304, C replaced by A.
Protein change: p.His768Gln; replaces histidine 768 with glutamine.
Molecular consequence: missense variant.
Genome position (GRCh38, 1-based): chr10:92,645,399, C>A. VCF-style: chr10-92645399-C-A. GRCh37 (hg19) VCF-style: chr10-94405156-C-A.
Other names: short protein forms H768Q.
Identifiers: ClinVar variation 3895499 (VCV003895499.2).

ClinVar aggregate classification (germline): Uncertain significance (1 of 4 stars; one submission).

Conditions:
Microcephaly with or without chorioretinopathy, lymphedema, or impaired intellectual development. Also called: MICROCEPHALY, LYMPHEDEMA, CHORIORETINAL DYSPLASIA SYNDROME; Microcephaly lymphedema chorioretinal dysplasia; MICROCEPHALY AND CHORIORETINOPATHY WITH OR WITHOUT MENTAL RETARDATION, AUTOSOMAL DOMINANT; Microcephaly with or without chorioretinopathy, lymphedema, or mental retardation; Microcephaly with or without chorioretinopathy, lymphedema, or intellectual disability. Identifiers: Orphanet 2526, MedGen C1835265, MONDO:0007918, OMIM 152950.

Submission:

Neuberg Centre For Genomic Medicine, NCGM
Classification: Uncertain significance for Microcephaly with or without chorioretinopathy, lymphedema, or impaired intellectual development. Last evaluated: 2024-02-01. Review status: criteria provided, single submitter. Criteria: ACMG Guidelines, 2015. Collection method: clinical testing. Allele origin: germline. Inheritance: Autosomal dominant inheritance. Affected: yes.
Comment: The amino acid His at position 768 is changed to a Gln changing protein sequence and it might alter its composition and physicochemical properties. For these reasons, this variant has been classified as Uncertain Significance.